The following is an entry in ClinVar:

NM_015047.3(EMC1):c.777C>G (p.Ile259Met)

Genes: EMC1 (ER membrane protein complex subunit 1; minus strand), EMC1-AS1 (EMC1 antisense RNA 1; plus strand). Cytogenetic location: 1p36.13.
Variant type: single nucleotide variant.
Coding change: c.777C>G on transcript NM_015047.3 (MANE Select); coding-DNA position 777, C replaced by G.
Protein change: p.Ile259Met; replaces isoleucine 259 with methionine.
Molecular consequence: missense variant. On other transcripts: non-coding transcript variant (1).
Genome position (GRCh38, 1-based): chr1:19,240,306, G>C on the plus strand (C>G on the coding strand, the complement: EMC1 is on the minus strand). VCF-style: chr1-19240306-G-C. GRCh37 (hg19) VCF-style: chr1-19566800-G-C.
Other names: c.777C>G, p.Ile259Met (NM_001271427.2, NM_001271428.2, NM_001375820.1 and 1 more transcripts); c.711C>G, p.Ile237Met (NM_001271429.2); short protein forms I259M, I237M.
Identifiers: ClinVar variation 2832657 (VCV002832657.3), dbSNP rs748743582, ClinGen allele CA338768684.

ClinVar aggregate classification (germline): Uncertain significance (1 of 4 stars; one submission).

Submission:

Labcorp Genetics (formerly Invitae), Labcorp
Classification: Uncertain significance. Last evaluated: 2023-01-28. Review status: criteria provided, single submitter. Criteria: Invitae Variant Classification Sherloc (09022015). Collection method: clinical testing. Allele origin: germline.
Comment: This variant has not been reported in the literature in individuals affected with EMC1-related conditions. In summary, the available evidence is currently insufficient to determine the role of this variant in disease. Therefore, it has been classified as a Variant of Uncertain Significance. Advanced modeling of protein sequence and biophysical properties (such as structural, functional, and spatial information, amino acid conservation, physicochemical variation, residue mobility, and thermodynamic stability) performed at Invitae indicates that this missense variant is not expected to disrupt EMC1 protein function. This variant is not present in population databases (gnomAD no frequency). This sequence change replaces isoleucine, which is neutral and non-polar, with methionine, which is neutral and non-polar, at codon 259 of the EMC1 protein (p.Ile259Met).